The following is an entry in ClinVar:

ClinVar aggregate classification (germline): Likely pathogenic (1 of 4 stars; one submission).

gnomAD v4.1: 2 of 1,613,190 alleles (0.00012%); highest among the groups gnomAD compares: Non-Finnish European, 0.00017%; no homozygotes.

Submission:

Labcorp Genetics (formerly Invitae), Labcorp
Classification: Likely pathogenic. Last evaluated: 2026-01-18. Review status: criteria provided, single submitter. Criteria: Invitae Variant Classification Sherloc (09022015). Collection method: clinical testing. Allele origin: germline.
Comment: This sequence change affects an acceptor splice site in intron 3 of the SAR1B gene. It is expected to disrupt RNA splicing. Variants that disrupt the donor or acceptor splice site typically lead to a loss of protein function (PMID: 16199547), and loss-of-function variants in SAR1B are known to be pathogenic (PMID: 12692552, 17945526). This variant is not present in population databases (gnomAD no frequency). This variant has not been reported in the literature in individuals affected with SAR1B-related conditions. Algorithms developed to predict the effect of sequence changes on RNA splicing suggest that this variant may disrupt the consensus splice site. In summary, the currently available evidence indicates that the variant is pathogenic, but additional data are needed to prove that conclusively. Therefore, this variant has been classified as Likely Pathogenic.

Literature cited by the submitters: PubMed 16199547; PubMed 12692552; PubMed 17945526.

NM_016103.4(SAR1B):c.59-2A>G

Gene: SAR1B (secretion associated Ras related GTPase 1B; minus strand). Cytogenetic location: 5q31.1.
Variant type: single nucleotide variant.
Coding change: c.59-2A>G on transcript NM_016103.4 (MANE Select); the canonical splice acceptor site of the intron before coding-DNA position 59, A replaced by G.
Molecular consequence: splice acceptor variant.
Genome position (GRCh38, 1-based): chr5:134,621,054, T>C on the plus strand (A>G on the coding strand, the complement: SAR1B is on the minus strand). VCF-style: chr5-134621054-T-C. GRCh37 (hg19) VCF-style: chr5-133956744-T-C.
Other names: c.59-2A>G (NM_001033503.3).
Identifiers: ClinVar variation 4767000 (VCV004767000.1).